The following is an entry in ClinVar:

NM_004628.5(XPC):c.2525A>G (p.Lys842Arg)

Gene: XPC (XPC complex subunit, DNA damage recognition and repair factor; minus strand). Cytogenetic location: 3p25.1.
Variant type: single nucleotide variant.
Coding change: c.2525A>G on transcript NM_004628.5 (MANE Select); coding-DNA position 2525, A replaced by G.
Protein change: p.Lys842Arg; replaces lysine 842 with arginine.
Molecular consequence: missense variant. On other transcripts: non-coding transcript variant (2).
Genome position (GRCh38, 1-based): chr3:14,147,369, T>C on the plus strand (A>G on the coding strand, the complement: XPC is on the minus strand). VCF-style: chr3-14147369-T-C. GRCh37 (hg19) VCF-style: chr3-14188869-T-C.
Other names: c.1946A>G, p.Lys649Arg (NM_001354726.2); c.2519A>G, p.Lys840Arg (NM_001354727.2); c.2507A>G, p.Lys836Arg (NM_001354729.2); c.2279A>G, p.Lys760Arg (NM_001354730.2); short protein forms K649R, K760R, K836R, K840R, K842R.
Identifiers: ClinVar variation 1341339 (VCV001341339.1), dbSNP rs559844668, ClinGen allele CA2267102.
Genomic context (GRCh38, chr3:14,147,369, plus strand): 5'-TTCAGCCTCTCCCTGATGAGCAGACCTTTGGCCAGCAACTTCCAGTTCCCTAGAGCCCGC[T>C]TCTCCTTTTTCTGCAGGCAAAAATGAAGTGGGAGAAAAGTGTTAAGCACTGACATTTTCA-3'
Protein context (NP_004619.3, residues 832-852): IERKEKEKKE[Lys842Arg]RALGNWKLLA

ClinVar aggregate classification (germline): Uncertain significance (1 of 4 stars; one submission).

Conditions:
Xeroderma pigmentosum, group C (XPC). Also called: XERODERMA PIGMENTOSUM III; XP, GROUP C; XPC-Related Xeroderma Pigmentosum; Xeroderma pigmentosum, complementation group C. Identifiers: Orphanet 910, MedGen C2752147, MONDO:0010211, OMIM 278720.

Allele frequency attached by ClinVar (database versions not stated): TOPMed below 0.00001; gnomAD exomes 0.00002; gnomAD 0.00003; ExAC 0.00005; 1000 Genomes Project 30x 0.00062; 1000 Genomes Project 0.00080.

Submission:

Baylor Genetics
Classification: Uncertain significance for Xeroderma pigmentosum, group C. Last evaluated: 2022-01-11. Review status: criteria provided, single submitter. Criteria: ACMG Guidelines, 2015. Collection method: clinical testing. Allele origin: unknown. Affected: yes. Study: CSER-TexasKidsCanSeq.
Comment: This variant was determined to be of uncertain significance according to ACMG Guidelines, 2015 [PMID:25741868].